The following is an entry in ClinVar:

NM_006509.4(RELB):c.154+3G>T

Gene: RELB (RELB proto-oncogene, NF-kB subunit; plus strand). Cytogenetic location: 19q13.32.
Variant type: single nucleotide variant.
Coding change: c.154+3G>T on transcript NM_006509.4 (MANE Select); 3 bases into the intron after coding-DNA position 154, G replaced by T.
Molecular consequence: intron variant.
Genome position (GRCh38, 1-based): chr19:45,002,999, G>T. VCF-style: chr19-45002999-G-T. GRCh37 (hg19) VCF-style: chr19-45506257-G-T.
Identifiers: ClinVar variation 2108321 (VCV002108321.4), dbSNP rs2513629288, ClinGen allele CA2580097380.

ClinVar aggregate classification (germline): Uncertain significance (1 of 4 stars; one submission).

Submission:

Labcorp Genetics (formerly Invitae), Labcorp
Classification: Uncertain significance. Last evaluated: 2022-03-10. Review status: criteria provided, single submitter. Criteria: Invitae Variant Classification Sherloc (09022015). Collection method: clinical testing. Allele origin: germline.
Comment: This variant has not been reported in the literature in individuals affected with RELB-related conditions. This variant is not present in population databases (gnomAD no frequency). This sequence change falls in intron 2 of the RELB gene. It does not directly change the encoded amino acid sequence of the RELB protein. It affects a nucleotide within the consensus splice site. Variants that disrupt the consensus splice site are a relatively common cause of aberrant splicing (PMID: 17576681, 9536098). Algorithms developed to predict the effect of sequence changes on RNA splicing suggest that this variant is not likely to affect RNA splicing. In summary, the available evidence is currently insufficient to determine the role of this variant in disease. Therefore, it has been classified as a Variant of Uncertain Significance.

Literature cited by the submitters: PubMed 17576681; PubMed 9536098.